The following is an entry in ClinVar:

ClinVar aggregate classification (germline): Benign/Likely benign. Review status: criteria provided, multiple submitters, no conflicts (2 of 4 stars). 5 submissions from 5 submitters: Benign (2); Likely benign (1). 2 of the submissions do not count toward it. Last evaluated 2021-10-16.

Conditions:
Occult macular dystrophy (OCMD). Also called: OMD; OCCULT MACULAR DYSTROPHY, SUSCEPTIBILITY TO. Identifiers: Orphanet 247834, MedGen C3150833, MONDO:0013316, OMIM 613587, HP:0030636.
Retinitis pigmentosa 88. Identifiers: MedGen C5394208, MONDO:0032940, OMIM 618826.

Allele frequency attached by ClinVar (database versions not stated): ESP Exome Variant Server 0.00024; gnomAD 0.00031 and 0.00096; TOPMed 0.00049; gnomAD exomes 0.00149 and 0.00284; ExAC 0.00349; 1000 Genomes Project 30x 0.00656; 1000 Genomes Project 0.00779.

Submissions (5):

Fulgent Genetics
Classification: Likely benign for Occult macular dystrophy; Retinitis pigmentosa 88. Last evaluated: 2021-10-16. Review status: criteria provided, single submitter. Criteria: ACMG Guidelines, 2015. Collection method: clinical testing. Allele origin: unknown.

Illumina Laboratory Services, Illumina
Classification: Benign for Occult macular dystrophy. Last evaluated: 2018-01-13. Review status: criteria provided, single submitter. Criteria: ICSL Variant Classification Criteria 13 December 2019. Collection method: clinical testing. Allele origin: germline.
Comment: This variant was observed in the ICSL laboratory as part of a predisposition screen in an ostensibly healthy population. It had not been previously curated by ICSL or reported in the Human Gene Mutation Database (HGMD: prior to June 1st, 2018), and was therefore a candidate for classification through an automated scoring system. Utilizing variant allele frequency, disease prevalence and penetrance estimates, and inheritance mode, an automated score was calculated to assess if this variant is too frequent to cause the disease. Based on the score and internal cut-off values, a variant classified as benign is not then subjected to further curation. The score for this variant resulted in a classification of benign for this disease.

Breakthrough Genomics
Classification: Benign. Review status: criteria provided, single submitter. Criteria: ACMG Guidelines, 2015. Collection method: not provided. Allele origin: germline. Inheritance: Autosomal recessive inheritance. Affected: yes.

Clinical Genetics DNA and cytogenetics Diagnostics Lab, Erasmus MC, Erasmus Medical Center
Classification: Benign. Review status: no assertion criteria provided. Collection method: clinical testing. Allele origin: germline. Affected: yes. Study: VKGL Data-share Consensus. Not counted in ClinVar's aggregate classification.

Clinical Genetics, Academic Medical Center
Classification: Benign. Review status: no assertion criteria provided. Collection method: clinical testing. Allele origin: germline. Affected: yes. Study: VKGL Data-share Consensus. Not counted in ClinVar's aggregate classification.

NM_178857.6(RP1L1):c.954C>T (p.Asp318=)

Gene: RP1L1 (RP1 like 1). Cytogenetic location: 8p23.1.
Variant type: single nucleotide variant.
Coding change: c.954C>T on transcript NM_178857.6 (MANE Select); coding-DNA position 954, C replaced by T.
Protein change: p.Asp318=; no amino-acid change (aspartic acid 318 retained).
Molecular consequence: synonymous variant.
Genome position (GRCh38, 1-based): chr8:10,613,144, G>A on the plus strand (C>T on the coding strand, the complement: RP1L1 is on the minus strand). VCF-style: chr8-10613144-G-A. GRCh37 (hg19) VCF-style: chr8-10470654-G-A.
Identifiers: ClinVar variation 361389 (VCV000361389.10), dbSNP rs200317816, ClinGen allele CA4625377.